The following is an entry in ClinVar:

NM_000051.4(ATM):c.8849A>G (p.Glu2950Gly)

Genes: ATM (ATM serine/threonine kinase; plus strand), C11orf65 (chromosome 11 open reading frame 65; minus strand). Cytogenetic location: 11q22.3.
Variant type: single nucleotide variant.
Coding change: c.8849A>G on transcript NM_000051.4 (MANE Select); coding-DNA position 8849, A replaced by G.
Protein change: p.Glu2950Gly; replaces glutamic acid 2950 with glycine.
Molecular consequence: missense variant. On other transcripts: intron variant (2).
Genome position (GRCh38, 1-based): chr11:108,354,873, A>G. VCF-style: chr11-108354873-A-G. GRCh37 (hg19) VCF-style: chr11-108225600-A-G.
Other names: c.8849A>G, p.Glu2950Gly (NM_001351834.2); c.640+31047T>C (NM_001330368.2); c.695-19581T>C (NM_001351110.2); short protein forms E2950G.
Identifiers: ClinVar variation 3223440 (VCV003223440.1), dbSNP rs2137354270, ClinGen allele CA382526107.

ClinVar aggregate classification (germline): Uncertain significance (1 of 4 stars; one submission).

Conditions:
Hereditary cancer-predisposing syndrome. Also called: Tumor predisposition; Hereditary Cancer Syndrome; Hereditary neoplastic syndrome; Neoplastic Syndromes, Hereditary. Identifiers: Orphanet 140162, MedGen C0027672, MeSH D009386, MONDO:0015356.

Submission:

Ambry Genetics
Classification: Uncertain significance for Hereditary cancer-predisposing syndrome. Last evaluated: 2024-01-12. Review status: criteria provided, single submitter. Criteria: Ambry Variant Classification Scheme 2023. Collection method: clinical testing. Allele origin: germline.
Comment: The p.E2950G variant (also known as c.8849A>G), located in coding exon 60 of the ATM gene, results from an A to G substitution at nucleotide position 8849. The glutamic acid at codon 2950 is replaced by glycine, an amino acid with similar properties. This amino acid position is highly conserved in available vertebrate species. In addition, this alteration is predicted to be deleterious by in silico analysis. Since supporting evidence is limited at this time, the clinical significance of this alteration remains unclear.